The following is an entry in ClinVar:

ClinVar aggregate classification (germline): Benign/Likely benign. Review status: criteria provided, multiple submitters, no conflicts (2 of 4 stars). 3 submissions from 3 submitters: Benign (1); Likely benign (2). Last evaluated 2026-05-20.

Conditions:
Hereditary cancer-predisposing syndrome. Also called: Neoplastic Syndromes, Hereditary; Hereditary Cancer Syndrome; Hereditary neoplastic syndrome; Tumor predisposition. Identifiers: Orphanet 140162, MedGen C0027672, MeSH D009386, MONDO:0015356.
Cardiovascular phenotype. Identifiers: MedGen CN230736.
Neurofibromatosis, type 1 (NF1). Also called: Neurofibromatosis, type I; NEUROFIBROMATOSIS, TYPE I, SOMATIC; Peripheral type neurofibromatosis; VON RECKLINGHAUSEN DISEASE. Identifiers: Orphanet 636, MedGen C0027831, MONDO:0018975, OMIM 162200. Disease mechanism: loss of function.

Allele frequency attached by ClinVar (database versions not stated): gnomAD exomes below 0.00001.
gnomAD v4.1: 1 of 1,614,190 alleles (0.000062%); highest among the groups gnomAD compares: Non-Finnish European, 0.000085%; no homozygotes.

Submissions (3):

Myriad Genetics, Inc.
Classification: Benign for Neurofibromatosis, type 1. Last evaluated: 2026-05-20. Review status: criteria provided, single submitter. Criteria: Myriad Autosomal Dominant, Autosomal Recessive and X-Linked Classification Criteria (2023). Collection method: clinical testing. Allele origin: unknown.
Comment: This variant is considered benign. This variant is a silent/synonymous amino acid change and it is not expected to impact splicing.

Labcorp Genetics (formerly Invitae), Labcorp
Classification: Likely benign for Neurofibromatosis, type 1. Last evaluated: 2024-05-18. Review status: criteria provided, single submitter. Criteria: Invitae Variant Classification Sherloc (09022015). Collection method: clinical testing. Allele origin: germline.

Ambry Genetics
Classification: Likely benign for Cardiovascular phenotype; Hereditary cancer-predisposing syndrome. Last evaluated: 2023-03-20. Review status: criteria provided, single submitter. Criteria: Ambry Variant Classification Scheme 2023. Collection method: clinical testing. Allele origin: germline.

NM_001042492.3(NF1):c.5013C>T (p.Tyr1671=)

Gene: NF1 (neurofibromin 1; plus strand). Cytogenetic location: 17q11.2.
Variant type: single nucleotide variant.
Coding change: c.5013C>T on transcript NM_001042492.3 (MANE Select); coding-DNA position 5013, C replaced by T.
Protein change: p.Tyr1671=; no amino-acid change (tyrosine 1671 retained).
Molecular consequence: synonymous variant.
Genome position (GRCh38, 1-based): chr17:31,325,997, C>T. VCF-style: chr17-31325997-C-T. GRCh37 (hg19) VCF-style: chr17-29653015-C-T.
Other names: c.4950C>T, p.Tyr1650= (NM_000267.4).
Identifiers: ClinVar variation 527635 (VCV000527635.9), dbSNP rs1060500255, ClinGen allele CA499233020.